The following is an entry in ClinVar:

ClinVar aggregate classification (germline): Likely benign (0 of 4 stars; one submission).

Conditions:
SLC39A4-related disorder. Also called: SLC39A4-related condition.

gnomAD v4.1: 123 of 1,595,668 alleles (0.0077%); highest among the groups gnomAD compares: Admixed American, 0.015%; no homozygotes.

Submission:

PreventionGenetics, part of Exact Sciences
Classification: Likely benign for SLC39A4-related condition. Last evaluated: 2019-08-10. Review status: no assertion criteria provided. Collection method: clinical testing. Allele origin: germline.
Comment: This variant is classified as likely benign based on ACMG/AMP sequence variant interpretation guidelines (Richards et al. 2015 PMID: 25741868, with internal and published modifications).

NM_130849.4(SLC39A4):c.193-82C>T

Gene: SLC39A4 (solute carrier family 39 member 4; minus strand). Cytogenetic location: 8q24.3.
Variant type: single nucleotide variant.
Coding change: c.193-82C>T on transcript NM_130849.4 (MANE Select); 82 bases into the intron before coding-DNA position 193, C replaced by T.
Molecular consequence: intron variant. On other transcripts: synonymous variant (1).
Genome position (GRCh38, 1-based): chr8:144,416,173, G>A on the plus strand (C>T on the coding strand, the complement: SLC39A4 is on the minus strand). VCF-style: chr8-144416173-G-A. GRCh37 (hg19) VCF-style: chr8-145641557-G-A.
Other names: c.36C>T, p.Gly12= (NM_017767.3); c.192+425C>T (NM_001374839.1).
Identifiers: ClinVar variation 3358114 (VCV003358114.1).
Genomic context (GRCh38, chr8:144,416,173, plus strand): 5'-CAGGGGCGCTGGGCCCACCAGGGAGGGGAGAGGCAGGCCTGGCCAGGGGCTTCCCCGAGG[G>A]CCTGTTTCCCTTTCAAGTCCAACAACGTCCACCATCCTCTCTCAACCCCTGGCGCCCTTC-3'